The following is an entry in ClinVar:

NM_001243133.2(NLRP3):c.2174C>T (p.Ser725Phe)

Gene: NLRP3 (NLR family pyrin domain containing 3; plus strand). Cytogenetic location: 1q44.
Variant type: single nucleotide variant.
Coding change: c.2174C>T on transcript NM_001243133.2 (MANE Select); coding-DNA position 2174, C replaced by T.
Protein change: p.Ser725Phe; replaces serine 725 with phenylalanine.
Molecular consequence: missense variant. On other transcripts: intron variant (2).
Genome position (GRCh38, 1-based): chr1:247,429,608, C>T. VCF-style: chr1-247429608-C-T. GRCh37 (hg19) VCF-style: chr1-247592910-C-T.
Other names: c.2174C>T, p.Ser725Phe (NM_001079821.3, NM_001127461.3); c.2180C>T, p.Ser727Phe (NM_004895.5); c.2150+4009C>T (NM_001127462.3, NM_183395.3); short protein forms S725F, S727F.
Identifiers: ClinVar variation 4798865 (VCV004798865.1).

ClinVar aggregate classification (germline): Uncertain significance (1 of 4 stars; one submission).

Conditions:
Cryopyrin associated periodic syndrome (CAPS). Identifiers: Orphanet 208650, MedGen C2316212, MONDO:0016168.

Submission:

Labcorp Genetics (formerly Invitae), Labcorp
Classification: Uncertain significance for Cryopyrin associated periodic syndrome. Last evaluated: 2025-07-29. Review status: criteria provided, single submitter. Criteria: Invitae Variant Classification Sherloc (09022015). Collection method: clinical testing. Allele origin: germline.
Comment: This sequence change replaces serine, which is neutral and polar, with phenylalanine, which is neutral and non-polar, at codon 727 of the NLRP3 protein (p.Ser727Phe). This variant is not present in population databases (gnomAD no frequency). This variant has not been reported in the literature in individuals affected with NLRP3-related conditions. Invitae Evidence Modeling of protein sequence and biophysical properties (such as structural, functional, and spatial information, amino acid conservation, physicochemical variation, residue mobility, and thermodynamic stability) indicates that this missense variant is not expected to disrupt NLRP3 protein function with a negative predictive value of 95%. In summary, the available evidence is currently insufficient to determine the role of this variant in disease. Therefore, it has been classified as a Variant of Uncertain Significance.